The following is an entry in ClinVar:

NM_001370259.2(MEN1):c.250T>G (p.Ser84Ala)

Gene: MEN1 (menin 1; minus strand). Cytogenetic location: 11q13.1.
Variant type: single nucleotide variant.
Coding change: c.250T>G on transcript NM_001370259.2 (MANE Select); coding-DNA position 250, T replaced by G.
Protein change: p.Ser84Ala; replaces serine 84 with alanine.
Molecular consequence: missense variant.
Genome position (GRCh38, 1-based): chr11:64,809,860, A>C on the plus strand (T>G on the coding strand, the complement: MEN1 is on the minus strand). VCF-style: chr11-64809860-A-C. GRCh37 (hg19) VCF-style: chr11-64577332-A-C.
Other names: c.250T>G, p.Ser84Ala (NM_000244.4, NM_001370251.2, NM_001370260.2 and 20 more transcripts); short protein forms S84A.
Identifiers: ClinVar variation 1792389 (VCV001792389.2), dbSNP rs1470227348, ClinGen allele CA381187557.

ClinVar aggregate classification (germline): Uncertain significance (1 of 4 stars; one submission).

Conditions:
Hereditary cancer-predisposing syndrome. Also called: Hereditary Cancer Syndrome; Hereditary neoplastic syndrome; Tumor predisposition; Neoplastic Syndromes, Hereditary. Identifiers: Orphanet 140162, MedGen C0027672, MeSH D009386, MONDO:0015356.

Submission:

Ambry Genetics
Classification: Uncertain significance for Hereditary cancer-predisposing syndrome. Last evaluated: 2022-03-02. Review status: criteria provided, single submitter. Criteria: Ambry Variant Classification Scheme 2023. Collection method: clinical testing. Allele origin: germline.
Comment: The p.S84A variant (also known as c.250T>G), located in coding exon 1 of the MEN1 gene, results from a T to G substitution at nucleotide position 250. The serine at codon 84 is replaced by alanine, an amino acid with similar properties. This amino acid position is conserved. In addition, the in silico prediction for this alteration is inconclusive. Since supporting evidence is limited at this time, the clinical significance of this alteration remains unclear.